The following is an entry in ClinVar:

NM_001430.5(EPAS1):c.1782C>G (p.Ser594Arg)

Gene: EPAS1 (endothelial PAS domain protein 1; plus strand). Cytogenetic location: 2p21.
Variant type: single nucleotide variant.
Coding change: c.1782C>G on transcript NM_001430.5 (MANE Select); coding-DNA position 1782, C replaced by G.
Protein change: p.Ser594Arg; replaces serine 594 with arginine.
Molecular consequence: missense variant.
Genome position (GRCh38, 1-based): chr2:46,380,454, C>G. VCF-style: chr2-46380454-C-G. GRCh37 (hg19) VCF-style: chr2-46607593-C-G.
Other names: short protein forms S594R.
Identifiers: ClinVar variation 1780020 (VCV001780020.3), dbSNP rs1366640859, ClinGen allele CA346704872.

ClinVar aggregate classification (germline): Uncertain significance (1 of 4 stars; one submission).

Conditions:
Inborn genetic diseases. Identifiers: MedGen C0950123, MeSH D030342.

Submission:

Ambry Genetics
Classification: Uncertain significance for Inborn genetic diseases. Last evaluated: 2024-04-20. Review status: criteria provided, single submitter. Criteria: Ambry Variant Classification Scheme 2023. Collection method: clinical testing. Allele origin: germline.
Comment: The p.S594R variant (also known as c.1782C>G), located in coding exon 12 of the EPAS1 gene, results from a C to G substitution at nucleotide position 1782. The serine at codon 594 is replaced by arginine, an amino acid with dissimilar properties. This amino acid position is conserved. In addition, this alteration is predicted to be tolerated by in silico analysis. Since supporting evidence is limited at this time, the clinical significance of this alteration remains unclear.